The following is an entry in ClinVar:

ClinVar aggregate classification (germline): Uncertain significance. Review status: criteria provided, multiple submitters, no conflicts (2 of 4 stars). 2 submissions from 2 submitters: Uncertain significance (2). Last evaluated 2026-01-12.

Conditions:
Cardiovascular phenotype. Identifiers: MedGen CN230736.

Submissions (2):

Ambry Genetics
Classification: Uncertain significance for Cardiovascular phenotype. Last evaluated: 2026-01-12. Review status: criteria provided, single submitter. Criteria: Ambry Variant Classification Scheme 2023. Collection method: clinical testing. Allele origin: germline.
Comment: The c.2125dupA variant, located in coding exon 15 of the VCL gene, results from a duplication of A at nucleotide position 2125, causing a translational frameshift with a predicted alternate stop codon (p.M709Nfs*10). This alteration is expected to result in protein truncation or nonsense-mediated mRNA decay. However, loss of function has not been established as a mechanism of disease. Based on the available evidence, the clinical significance of this alteration remains unclear.

GeneDx
Classification: Uncertain significance. Last evaluated: 2023-02-13. Review status: criteria provided, single submitter. Criteria: GeneDx Variant Classification Process June 2021. Collection method: clinical testing. Allele origin: germline. Affected: yes.
Comment: Has not been previously published as pathogenic or benign to our knowledge; Not observed at significant frequency in large population cohorts (gnomAD); Frameshift variant predicted to result in protein truncation or nonsense mediated decay in a gene or region of a gene for which loss of function is not a well-established mechanism of disease

NM_014000.3(VCL):c.2125dup (p.Met709fs)

Gene: VCL (vinculin; plus strand). Cytogenetic location: 10q22.2.
Variant type: Duplication.
Coding change: c.2125dup on transcript NM_014000.3 (MANE Select); coding-DNA position 2125, one base duplicated (A; older notation c.2125dupA).
Protein change: p.Met709fs; shifts the reading frame from methionine 709.
Molecular consequence: frameshift variant.
Genome position (GRCh38, 1-based): chr10:74,103,922, A duplicated; the last of 6 consecutive A bases (chr10:74,103,917-74,103,922); duplicating any one gives the same sequence. VCF-style (leftmost placement, unchanged base first): chr10-74103916-G-GA. GRCh37 (hg19) VCF-style: chr10-75863674-G-GA.
Other names: c.2125dup, p.Met709fs (NM_003373.4); c.2125dupA (NM_014000.2); short protein forms M709fs.
Identifiers: ClinVar variation 2575807 (VCV002575807.2), dbSNP rs1425038199, ClinGen allele CA594387968.
Genomic context (GRCh38, chr10:74,103,916, plus strand): 5'-GGAAATCAAGCTGCTTATGAACATTTTGAGACCATGAAGAACCAGTGGATCGATAATGTT[G>GA]AAAAAATGACAGGTAGAGTTTTCTATACAAATCTTGTTGTCTAATCCATGAAGAATGAGT-3'